The following is an entry in ClinVar:

ClinVar aggregate classification (germline): Uncertain significance (1 of 4 stars; one submission).

Allele frequency attached by ClinVar (database versions not stated): gnomAD 0.00001; TOPMed 0.00001.
gnomAD v4.1: 9 of 1,557,414 alleles (0.00058%); highest among the groups gnomAD compares: African/African-American, 0.0041%; no homozygotes.

Submission:

Labcorp Genetics (formerly Invitae), Labcorp
Classification: Uncertain significance. Last evaluated: 2024-06-13. Review status: criteria provided, single submitter. Criteria: Invitae Variant Classification Sherloc (09022015). Collection method: clinical testing. Allele origin: germline.
Comment: This sequence change replaces arginine, which is basic and polar, with glutamine, which is neutral and polar, at codon 605 of the FUK protein (p.Arg605Gln). This variant is present in population databases (no rsID available, gnomAD 0.01%). This variant has not been reported in the literature in individuals affected with FUK-related conditions. An algorithm developed to predict the effect of missense changes on protein structure and function (PolyPhen-2) suggests that this variant is likely to be disruptive. In summary, the available evidence is currently insufficient to determine the role of this variant in disease. Therefore, it has been classified as a Variant of Uncertain Significance.

NM_145059.3(FCSK):c.1814G>A (p.Arg605Gln)

Gene: FCSK (fucose kinase; plus strand). Cytogenetic location: 16q22.1.
Variant type: single nucleotide variant.
Coding change: c.1814G>A on transcript NM_145059.3 (MANE Select); coding-DNA position 1814, G replaced by A.
Protein change: p.Arg605Gln; replaces arginine 605 with glutamine.
Molecular consequence: missense variant.
Genome position (GRCh38, 1-based): chr16:70,474,165, G>A. VCF-style: chr16-70474165-G-A. GRCh37 (hg19) VCF-style: chr16-70508068-G-A.
Other names: short protein forms R605Q.
Identifiers: ClinVar variation 1916918 (VCV001916918.5), dbSNP rs1201458635, ClinGen allele CA396571473.